The following is an entry in ClinVar:

ClinVar aggregate classification (germline): Uncertain significance (1 of 4 stars; one submission).

Submission:

Labcorp Genetics (formerly Invitae), Labcorp
Classification: Uncertain significance. Last evaluated: 2020-12-17. Review status: criteria provided, single submitter. Criteria: Invitae Variant Classification Sherloc (09022015). Collection method: clinical testing. Allele origin: germline.
Comment: In summary, the available evidence is currently insufficient to determine the role of this variant in disease. Therefore, it has been classified as a Variant of Uncertain Significance. Algorithms developed to predict the effect of missense changes on protein structure and function output the following: SIFT: "Deleterious"; PolyPhen-2: "Benign"; Align-GVGD: "Class C15". The cysteine amino acid residue is found in multiple mammalian species, suggesting that this missense change does not adversely affect protein function. These predictions have not been confirmed by published functional studies and their clinical significance is uncertain. This variant has not been reported in the literature in individuals with RAI1-related conditions. This variant is not present in population databases (ExAC no frequency). This sequence change replaces glycine with cysteine at codon 704 of the RAI1 protein (p.Gly704Cys). The glycine residue is moderately conserved and there is a large physicochemical difference between glycine and cysteine.

NM_030665.4(RAI1):c.2110G>T (p.Gly704Cys)

Gene: RAI1 (retinoic acid induced 1; plus strand). Cytogenetic location: 17p11.2.
Variant type: single nucleotide variant.
Coding change: c.2110G>T on transcript NM_030665.4 (MANE Select); coding-DNA position 2110, G replaced by T.
Protein change: p.Gly704Cys; replaces glycine 704 with cysteine.
Molecular consequence: missense variant.
Genome position (GRCh38, 1-based): chr17:17,795,058, G>T. VCF-style: chr17-17795058-G-T. GRCh37 (hg19) VCF-style: chr17-17698372-G-T.
Other names: short protein forms G704C.
Identifiers: ClinVar variation 1397712 (VCV001397712.8), dbSNP rs2143002132, ClinGen allele CA398550154.